The following is an entry in ClinVar:

NM_000138.5(FBN1):c.42C>T (p.Thr14=)

Genes: FBN1 (fibrillin 1; minus strand), LOC130057019 (ATAC-STARR-seq lymphoblastoid silent region 6417; plus strand). Cytogenetic location: 15q21.1.
Variant type: single nucleotide variant.
Coding change: c.42C>T on transcript NM_000138.5 (MANE Select); coding-DNA position 42, C replaced by T.
Protein change: p.Thr14=; no amino-acid change (threonine 14 retained).
Molecular consequence: synonymous variant.
Genome position (GRCh38, 1-based): chr15:48,644,728, G>A on the plus strand (C>T on the coding strand, the complement: FBN1 is on the minus strand). VCF-style: chr15-48644728-G-A. GRCh37 (hg19) VCF-style: chr15-48936925-G-A.
Identifiers: ClinVar variation 513681 (VCV000513681.3), dbSNP rs1405903278, ClinGen allele CA490090850.
Genomic context (GRCh38, chr15:48,644,728, plus strand): 5'-CACGTTCCCAGCCTCCAAATTGGCGTCCGCCCCATGGCTCGTGTAGGACGCTAAAAGCAC[G>A]GTAAATCCCAGGGCGATCTCCAGCAGACGCCCTCGACGCATGATGCCGAGCCGCCACCGG-3'
Protein context (NP_000129.3, residues 4-24): GRLLEIALGF[Thr14=]VLLASYTSHG

ClinVar aggregate classification (germline): Likely benign. Review status: criteria provided, multiple submitters, no conflicts (2 of 4 stars). 3 submissions from 3 submitters: Likely benign (3). Last evaluated 2025-06-15.

Conditions:
Familial thoracic aortic aneurysm and aortic dissection (TAAD). Also called: Thoracic aortic aneurysms and dissections. Identifiers: Orphanet 91387, MedGen C4707243, MONDO:0019625.
Marfan syndrome (MFS). Also called: Marfan syndrome type 1; Marfan syndrome, classic; Marfan's syndrome; FBN1-Related Marfan Syndrome; MARFAN SYNDROME, TYPE I. Identifiers: Orphanet 284963, Orphanet 558, MedGen C0024796, MONDO:0007947, OMIM 154700.

Allele frequency attached by ClinVar (database versions not stated): gnomAD exomes below 0.00001.
gnomAD v4.1: 1 of 1,613,910 alleles (0.000062%); highest among the groups gnomAD compares: Non-Finnish European, 0.000085%; no homozygotes.

Submissions (3):

Labcorp Genetics (formerly Invitae), Labcorp
Classification: Likely benign for Marfan syndrome; Familial thoracic aortic aneurysm and aortic dissection. Last evaluated: 2025-06-15. Review status: criteria provided, single submitter. Criteria: Invitae Variant Classification Sherloc (09022015). Collection method: clinical testing. Allele origin: germline.

Women's Health and Genetics/Laboratory Corporation of America, LabCorp
Classification: Likely benign. Last evaluated: 2021-01-21. Review status: criteria provided, single submitter. Criteria: LabCorp Variant Classification Summary - May 2015. Collection method: clinical testing. Allele origin: germline.

GeneDx
Classification: Likely benign. Last evaluated: 2017-12-01. Review status: criteria provided, single submitter. Criteria: GeneDx Variant Classification (06012015). Collection method: clinical testing. Allele origin: germline. Affected: yes.
Comment: This variant is considered likely benign or benign based on one or more of the following criteria: it is a conservative change, it occurs at a poorly conserved position in the protein, it is predicted to be benign by multiple in silico algorithms, and/or has population frequency not consistent with disease.